The following is an entry in ClinVar:

NM_000233.4(LHCGR):c.1660C>T (p.Arg554Ter)

Genes: LHCGR (luteinizing hormone/choriogonadotropin receptor; minus strand), STON1-GTF2A1L (STON1-GTF2A1L readthrough; plus strand). Cytogenetic location: 2p16.3.
Variant type: single nucleotide variant.
Coding change: c.1660C>T on transcript NM_000233.4 (MANE Select); coding-DNA position 1660, C replaced by T.
Protein change: p.Arg554Ter; replaces arginine 554 with a stop codon.
Molecular consequence: nonsense. On other transcripts: intron variant (1).
Genome position (GRCh38, 1-based): chr2:48,688,137, G>A on the plus strand (C>T on the coding strand, the complement: LHCGR is on the minus strand). VCF-style: chr2-48688137-G-A. GRCh37 (hg19) VCF-style: chr2-48915276-G-A.
Other names: c.3441+16457G>A (NM_001198593.2); short protein forms R554*.
Identifiers: ClinVar variation 14392 (VCV000014392.13), dbSNP rs121912524, ClinGen allele CA123921.

ClinVar aggregate classification (germline): Pathogenic/Likely pathogenic. Review status: criteria provided, multiple submitters, no conflicts (2 of 4 stars). 7 submissions from 6 submitters: Pathogenic (4); Likely pathogenic (1). 2 of the submissions do not count toward it. Last evaluated 2023-11-07.

Conditions:
Disorder of sexual differentiation. Also called: Disorder of sex development; Difference of sexual differentiation. Identifiers: Orphanet 90771, MedGen C2930619, MONDO:0002145.
Leydig cell agenesis. Also called: HYPERGONADOTROPIC HYPOGONADISM, MALE, DUE TO LHCGR DEFECT; LEYDIG CELL HYPOPLASIA WITH MALE PSEUDOHERMAPHRODITISM; LEYDIG CELL HYPOPLASIA, COMPLETE; Leydig cell hypoplasia, type 1. Identifiers: MedGen C0266432, MONDO:0009384, OMIM 238320.
Luteinizing hormone resistance, female. Identifiers: MedGen C3668935.

Allele frequency attached by ClinVar (database versions not stated): TOPMed below 0.00001; gnomAD exomes below 0.00001; gnomAD 0.00001.
gnomAD v4.1: 11 of 1,613,888 alleles (0.00068%); highest among the groups gnomAD compares: Non-Finnish European, 0.00093%; no homozygotes.

Submissions (7):

Labcorp Genetics (formerly Invitae), Labcorp
Classification: Pathogenic. Last evaluated: 2023-11-07. Review status: criteria provided, single submitter. Criteria: Invitae Variant Classification Sherloc (09022015). Collection method: clinical testing. Allele origin: germline.
Comment: This sequence change creates a premature translational stop signal (p.Arg554*) in the LHCGR gene. While this is not anticipated to result in nonsense mediated decay, it is expected to disrupt the last 146 amino acid(s) of the LHCGR protein. This variant is present in population databases (rs121912524, gnomAD 0.0009%). This premature translational stop signal has been observed in individuals with LHCGR-related conditions (PMID: 8559204; Invitae). ClinVar contains an entry for this variant (Variation ID: 14392). This variant disrupts a region of the LHCGR protein in which other variant(s) (p.Ser616Tyr) have been determined to be pathogenic (PMID: 26246498, 27016457; Invitae). This suggests that this is a clinically significant region of the protein, and that variants that disrupt it are likely to be disease-causing. For these reasons, this variant has been classified as Pathogenic.

Cambridge Genomics Laboratory, East Genomic Laboratory Hub, NHS Genomic Medicine Service
Classification: Pathogenic for Disorder of sexual differentiation. Last evaluated: 2020-04-29. Review status: criteria provided, single submitter. Criteria: ACGS Best Practice Guidelines for Variant Classification in Rare Disease 2020. Collection method: clinical testing. Allele origin: germline. Affected: yes. Observed: 1 variant allele.

Laboratorio de Genetica e Diagnostico Molecular, Hospital Israelita Albert Einstein
Classification: Likely pathogenic. Last evaluated: 2020-04-17. Review status: criteria provided, single submitter. Criteria: ACMG Guidelines, 2015. Collection method: clinical testing. Allele origin: germline. Affected: yes.
Comment: ACMG classification criteria: PVS1, PS4, PM2, PM3, PP1

Revvity Omics, Revvity
Classification: Pathogenic. Last evaluated: 2019-05-02. Review status: criteria provided, single submitter. Criteria: ACMG Guidelines, 2015. Collection method: clinical testing. Allele origin: germline.

Juno Genomics, Hangzhou Juno Genomics, Inc
Classification: Pathogenic for Leydig cell agenesis. Review status: criteria provided, single submitter. Criteria: ACMG Guidelines, 2015. Collection method: clinical testing. Allele origin: germline.
Comment: Absent from controls (or at extremely low frequency if recessive) in Genome Aggregation Database.;Null variant in a gene where loss of function (LOF) is a known mechanism of disease.;For recessive disorders, detected in trans with a pathogenic variant.;Co-segregation with disease in multiple affected family members.;Patient's phenotype or family history is highly specific for a disease with a single genetic etiology.

OMIM
Classification: Pathogenic for LEYDIG CELL HYPOPLASIA, TYPE I. Last evaluated: 1996-02-22. Review status: no assertion criteria provided. Collection method: literature only. Allele origin: germline. Not counted in ClinVar's aggregate classification.

OMIM
Classification: Pathogenic for LUTEINIZING HORMONE RESISTANCE, FEMALE. Last evaluated: 1996-02-22. Review status: no assertion criteria provided. Collection method: literature only. Allele origin: germline. Not counted in ClinVar's aggregate classification.

Literature cited by the submitters: PubMed 8559204 (cited by Labcorp Genetics (formerly Invitae), Labcorp and OMIM); PubMed 26246498 (cited by Labcorp Genetics (formerly Invitae), Labcorp); PubMed 27016457 (cited by Labcorp Genetics (formerly Invitae), Labcorp).